The following is an entry in ClinVar:

NM_000334.4(SCN4A):c.554A>T (p.Asp185Val)

Gene: SCN4A (sodium voltage-gated channel alpha subunit 4; minus strand). Cytogenetic location: 17q23.3.
Variant type: single nucleotide variant.
Coding change: c.554A>T on transcript NM_000334.4 (MANE Select); coding-DNA position 554, A replaced by T.
Protein change: p.Asp185Val; replaces aspartic acid 185 with valine.
Molecular consequence: missense variant.
Genome position (GRCh38, 1-based): chr17:63,971,779, T>A on the plus strand (A>T on the coding strand, the complement: SCN4A is on the minus strand). VCF-style: chr17-63971779-T-A. GRCh37 (hg19) VCF-style: chr17-62049139-T-A.
Other names: short protein forms D185V.
Identifiers: ClinVar variation 1717562 (VCV001717562.6), dbSNP rs1597987427, ClinGen allele CA400639074.

ClinVar aggregate classification (germline): Uncertain significance (1 of 4 stars; one submission).

Conditions:
Hyperkalemic periodic paralysis. Also called: Familial hyperkalemic periodic paralysis; Gamstorp disease. Identifiers: Orphanet 682, MedGen C0238357, MONDO:0008224, OMIM 170500, HP:0007215.

Submission:

Labcorp Genetics (formerly Invitae), Labcorp
Classification: Uncertain significance for Hyperkalemic periodic paralysis. Last evaluated: 2022-07-17. Review status: criteria provided, single submitter. Criteria: Invitae Variant Classification Sherloc (09022015). Collection method: clinical testing. Allele origin: germline.
Comment: In summary, the available evidence is currently insufficient to determine the role of this variant in disease. Therefore, it has been classified as a Variant of Uncertain Significance. Algorithms developed to predict the effect of missense changes on protein structure and function are either unavailable or do not agree on the potential impact of this missense change (SIFT: "Deleterious"; PolyPhen-2: "Benign"; Align-GVGD: "Class C0"). This missense change has been observed in individual(s) with clinical features of autosomal dominant SCN4A-related conditions (Invitae). This variant is not present in population databases (gnomAD no frequency). This sequence change replaces aspartic acid, which is acidic and polar, with valine, which is neutral and non-polar, at codon 185 of the SCN4A protein (p.Asp185Val).